The following is an entry in ClinVar:

ClinVar aggregate classification (germline): Uncertain significance (1 of 4 stars; one submission).

Conditions:
Atrial standstill 1 (ATRST1). Also called: ATRIAL CARDIOMYOPATHY WITH HEART BLOCK; CARDIOMYOPATHY, FAMILIAL, WITH CONDUCTION DISTURBANCE; Atrial standstill, digenic (GJA5/SCN5A). Identifiers: Orphanet 1344, MedGen C4551959, MONDO:0007171, OMIM 108770.
Atrial fibrillation, familial, 11 (ATFB11). Identifiers: MedGen C3279693, MONDO:0013544, OMIM 614049.

Allele frequency attached by ClinVar (database versions not stated): gnomAD exomes below 0.00001.
gnomAD v4.1: 4 of 1,614,010 alleles (0.00025%); highest among the groups gnomAD compares: South Asian, 0.0011%; no homozygotes.

Submission:

Labcorp Genetics (formerly Invitae), Labcorp
Classification: Uncertain significance for Atrial fibrillation, familial, 11; Atrial standstill 1. Last evaluated: 2024-02-25. Review status: criteria provided, single submitter. Criteria: Invitae Variant Classification Sherloc (09022015). Collection method: clinical testing. Allele origin: germline.
Comment: This sequence change replaces arginine, which is basic and polar, with histidine, which is basic and polar, at codon 160 of the GJA5 protein (p.Arg160His). The frequency data for this variant in the population databases is considered unreliable, as metrics indicate poor data quality at this position in the gnomAD database. This variant has not been reported in the literature in individuals affected with GJA5-related conditions. ClinVar contains an entry for this variant (Variation ID: 2117801). Advanced modeling of protein sequence and biophysical properties (such as structural, functional, and spatial information, amino acid conservation, physicochemical variation, residue mobility, and thermodynamic stability) performed at Invitae indicates that this missense variant is expected to disrupt GJA5 protein function with a positive predictive value of 80%. In summary, the available evidence is currently insufficient to determine the role of this variant in disease. Therefore, it has been classified as a Variant of Uncertain Significance.

NM_181703.4(GJA5):c.479G>A (p.Arg160His)

Gene: GJA5 (gap junction protein alpha 5; minus strand). Cytogenetic location: 1q21.2.
Variant type: single nucleotide variant.
Coding change: c.479G>A on transcript NM_181703.4 (MANE Select); coding-DNA position 479, G replaced by A.
Protein change: p.Arg160His; replaces arginine 160 with histidine.
Molecular consequence: missense variant.
Genome position (GRCh38, 1-based): chr1:147,758,760, C>T on the plus strand (G>A on the coding strand, the complement: GJA5 is on the minus strand). VCF-style: chr1-147758760-C-T. GRCh37 (hg19) VCF-style: chr1-147230868-C-T.
Other names: c.479G>A, p.Arg160His (NM_005266.7); short protein forms R160H.
Identifiers: ClinVar variation 2117801 (VCV002117801.4), dbSNP rs782538185, ClinGen allele CA342396032.